The following is an entry in ClinVar:

NM_015346.4(ZFYVE26):c.21_38delinsGCTGC (p.Glu8fs)

Gene: ZFYVE26 (zinc finger FYVE-type containing 26; minus strand). Cytogenetic location: 14q24.1.
Variant type: Indel.
Coding change: c.21_38delinsGCTGC on transcript NM_015346.4 (MANE Select); coding-DNA positions 21 to 38, AGAGGAAGCTGCTTCGCA replaced by GCTGC.
Protein change: p.Glu8fs; shifts the reading frame from glutamic acid 8.
Molecular consequence: frameshift variant.
Genome position (GRCh38, 1-based): chr14:67,815,926-67,815,943, TGCGAAGCAGCTTCCTCT replaced by GCAGC on the plus strand (AGAGGAAGCTGCTTCGCA replaced by GCTGC on the coding strand, the reverse complement: ZFYVE26 is on the minus strand). VCF-style: chr14-67815926-TGCGAAGCAGCTTCCTCT-GCAGC. GRCh37 (hg19) VCF-style: chr14-68282643-TGCGAAGCAGCTTCCTCT-GCAGC.
Other names: short protein forms E8fs.
Identifiers: ClinVar variation 4854498 (VCV004854498.1).

ClinVar aggregate classification (germline): Likely pathogenic (1 of 4 stars; one submission).

Conditions:
Hereditary spastic paraplegia 15 (SPG15). Also called: KJELLIN SYNDROME; SPASTIC PARAPLEGIA AND RETINAL DEGENERATION; SPASTIC PARAPLEGIA 15, AUTOSOMAL RECESSIVE. Identifiers: Orphanet 100996, MedGen C1849128, MONDO:0010044, OMIM 270700.

Submission:

3billion
Classification: Likely pathogenic for Hereditary spastic paraplegia 15. Last evaluated: 2025-09-10. Review status: criteria provided, single submitter. Criteria: ACMG Guidelines, 2015. Collection method: clinical testing. Allele origin: germline. Affected: yes.
Comment: The variant is not observed in the gnomAD v4.1.0 dataset. Predicted Consequence/Location: Frameshift: predicted to result in a loss or disruption of normal protein function through nonsense-mediated decay (NMD) or protein truncation. Multiple pathogenic variants are reported downstream of the variant. Therefore, this variant is classified as Likely pathogenic according to the recommendation of ACMG/AMP guideline.